The following is an entry in ClinVar:

ClinVar aggregate classification (germline): Uncertain significance (1 of 4 stars; one submission).

Submission:

Labcorp Genetics (formerly Invitae), Labcorp
Classification: Uncertain significance. Last evaluated: 2024-02-24. Review status: criteria provided, single submitter. Criteria: Invitae Variant Classification Sherloc (09022015). Collection method: clinical testing. Allele origin: germline.
Comment: This sequence change replaces serine, which is neutral and polar, with glycine, which is neutral and non-polar, at codon 477 of the IFNAR1 protein (p.Ser477Gly). This variant is not present in population databases (gnomAD no frequency). This variant has not been reported in the literature in individuals affected with IFNAR1-related conditions. ClinVar contains an entry for this variant (Variation ID: 1410303). An algorithm developed to predict the effect of missense changes on protein structure and function (PolyPhen-2) suggests that this variant is likely to be tolerated. In summary, the available evidence is currently insufficient to determine the role of this variant in disease. Therefore, it has been classified as a Variant of Uncertain Significance.

NM_000629.3(IFNAR1):c.1429A>G (p.Ser477Gly)

Gene: IFNAR1 (interferon alpha and beta receptor subunit 1; plus strand). Cytogenetic location: 21q22.11.
Variant type: single nucleotide variant.
Coding change: c.1429A>G on transcript NM_000629.3 (MANE Select); coding-DNA position 1429, A replaced by G.
Protein change: p.Ser477Gly; replaces serine 477 with glycine.
Molecular consequence: missense variant. On other transcripts: intron variant (1).
Genome position (GRCh38, 1-based): chr21:33,353,772, A>G. VCF-style: chr21-33353772-A-G. GRCh37 (hg19) VCF-style: chr21-34726078-A-G.
Other names: c.1429A>G, p.Ser477Gly (NM_001384498.1, NM_001384503.1); c.667A>G, p.Ser223Gly (NM_001384500.1); c.1414A>G, p.Ser472Gly (NM_001384501.1); c.967A>G, p.Ser323Gly (NM_001384502.1); c.1222A>G, p.Ser408Gly (NM_001384504.1); c.1294+864A>G (NM_001384499.1); short protein forms S477G, S223G, S323G, S408G, S472G.
Identifiers: ClinVar variation 1410303 (VCV001410303.6), dbSNP rs2123273022, ClinGen allele CA410110757.
Genomic context (GRCh38, chr21:33,353,772, plus strand): 5'-GCGAAAGTCTTCTTGAGATGCATCAATTATGTCTTCTTTCCATCACTTAAACCTTCTTCC[A>G]GTATAGATGAGGTATGTTACTTTTTTTATTTTTTTGTCAACAGCTAGGTAATGAACAGAA-3'
Protein context (NP_000620.2, residues 467-487): VFFPSLKPSS[Ser477Gly]IDEYFSEQPL